The following is an entry in ClinVar:

NM_021224.6(ZNF462):c.5254G>A (p.Asp1752Asn)

Gene: ZNF462 (zinc finger protein 462; plus strand). Cytogenetic location: 9q31.2.
Variant type: single nucleotide variant.
Coding change: c.5254G>A on transcript NM_021224.6 (MANE Select); coding-DNA position 5254, G replaced by A.
Protein change: p.Asp1752Asn; replaces aspartic acid 1752 with asparagine.
Molecular consequence: missense variant. On other transcripts: intron variant (1).
Genome position (GRCh38, 1-based): chr9:106,929,166, G>A. VCF-style: chr9-106929166-G-A. GRCh37 (hg19) VCF-style: chr9-109691447-G-A.
Other names: c.3253-1359G>A (NM_001347997.2); c.5254G>A (NM_021224.5); short protein forms D1752N.
Identifiers: ClinVar variation 3195938 (VCV003195938.9), dbSNP rs141348266, ClinGen allele CA5171973.
Genomic context (GRCh38, chr9:106,929,166, plus strand): 5'-GCCTCCAGGACCATCAGCGACAAGCCCAACAAAGTGATCATCCCATCCCCGCCCAAGGAC[G>A]ACTCCCCTCAGCTGAGCGAGGAACTCCGGCGGGCAGTGGAGAAGAAAAAGTGCTCCTTGT-3'
Protein context (NP_067047.4, residues 1742-1762): KVIIPSPPKD[Asp1752Asn]SPQLSEELRR

ClinVar aggregate classification (germline): Benign/Likely benign. Review status: criteria provided, multiple submitters, no conflicts (2 of 4 stars). 4 submissions from 4 submitters: Benign (2); Likely benign (1). 1 of the submissions does not count toward it. Last evaluated 2026-02-01.

Conditions:
ZNF462-related disorder. Also called: ZNF462-related condition; ZNF462 related disease.
Weiss-Kruszka syndrome. Also called: Metopic ridging-ptosis-facial dysmorphism syndrome. Identifiers: Orphanet 502430, MedGen C5568107, MONDO:0032836, OMIM 618619.
Inborn genetic diseases. Identifiers: MedGen C0950123, MeSH D030342.

Allele frequency attached by ClinVar (database versions not stated): 1000 Genomes Project 30x 0.00016; 1000 Genomes Project 0.00020; TOPMed 0.00037; gnomAD exomes 0.00044; gnomAD 0.00045; ExAC 0.00053; ESP Exome Variant Server 0.00062.
gnomAD v4.1: 705 of 1,614,102 alleles (0.044%); highest among the groups gnomAD compares: Middle Eastern, 0.16%; no homozygotes.

Submissions (4):

CeGaT Center for Human Genetics Tuebingen
Classification: Benign. Last evaluated: 2026-02-01. Review status: criteria provided, single submitter. Criteria: CeGaT Center For Human Genetics Tuebingen Variant Classification Criteria Version 2. Collection method: clinical testing. Allele origin: germline. Affected: yes. Observed: 2 variant alleles.
Comment: ZNF462: BP4, BS1, BS2

Ambry Genetics
Classification: Likely benign for Inborn genetic diseases. Last evaluated: 2021-09-08. Review status: criteria provided, single submitter. Criteria: Ambry Variant Classification Scheme 2023. Collection method: clinical testing. Allele origin: germline.

Department of Pathology and Laboratory Medicine, Sinai Health System
Classification: Benign for Weiss-Kruszka syndrome. Last evaluated: 2020-07-27. Review status: criteria provided, single submitter. Criteria: ACMG Guidelines, 2015. Collection method: research. Allele origin: germline.

PreventionGenetics, part of Exact Sciences
Classification: Likely benign for ZNF462-related condition. Last evaluated: 2024-04-18. Review status: no assertion criteria provided. Collection method: clinical testing. Allele origin: germline. Not counted in ClinVar's aggregate classification.
Comment: This variant is classified as likely benign based on ACMG/AMP sequence variant interpretation guidelines (Richards et al. 2015 PMID: 25741868, with internal and published modifications).